The following is an entry in ClinVar:

NM_004260.4(RECQL4):c.430G>T (p.Gly144Cys)

Gene: RECQL4 (RecQ like helicase 4; minus strand). Cytogenetic location: 8q24.3.
Variant type: single nucleotide variant.
Coding change: c.430G>T on transcript NM_004260.4 (MANE Select); coding-DNA position 430, G replaced by T.
Protein change: p.Gly144Cys; replaces glycine 144 with cysteine.
Molecular consequence: missense variant. On other transcripts: 5 prime UTR variant (13), non-coding transcript variant (3), intron variant (5).
Genome position (GRCh38, 1-based): chr8:144,516,689, C>A on the plus strand (G>T on the coding strand, the complement: RECQL4 is on the minus strand). VCF-style: chr8-144516689-C-A. GRCh37 (hg19) VCF-style: chr8-145742073-C-A.
Other names: c.430G>T, p.Gly144Cys (NM_001413017.1, NM_001413018.1, NM_001413019.1 and 4 more transcripts); c.-642G>T (NM_001413022.1, NM_001413023.1, NM_001413037.1 and 3 more transcripts); c.301G>T, p.Gly101Cys (NM_001413025.1); c.-704G>T (NM_001413027.1, NM_001413030.1, NM_001413031.1 and 1 more transcripts); c.-367G>T (NM_001413028.1); c.-546G>T (NM_001413034.1); c.-911G>T (NM_001413043.1); c.355-276G>T (NM_001413029.1); and 4 more; short protein forms G144C, G101C.
Identifiers: ClinVar variation 2765304 (VCV002765304.4), dbSNP rs558198375, ClinGen allele CA372691514.

ClinVar aggregate classification (germline): Uncertain significance. Review status: criteria provided, multiple submitters, no conflicts (2 of 4 stars). 2 submissions from 2 submitters: Uncertain significance (2). Last evaluated 2025-09-01.

Conditions:
Baller-Gerold syndrome (BGS). Also called: CRANIOSYNOSTOSIS WITH RADIAL DEFECTS. Identifiers: Orphanet 1225, MedGen C0265308, MONDO:0009039, OMIM 218600.
Inborn genetic diseases. Identifiers: MedGen C0950123, MeSH D030342.

Submissions (2):

Ambry Genetics
Classification: Uncertain significance for Inborn genetic diseases. Last evaluated: 2025-09-01. Review status: criteria provided, single submitter. Criteria: Ambry Variant Classification Scheme 2023. Collection method: clinical testing. Allele origin: germline.
Comment: The p.G144C variant (also known as c.430G>T), located in coding exon 5 of the RECQL4 gene, results from a G to T substitution at nucleotide position 430. The glycine at codon 144 is replaced by cysteine, an amino acid with highly dissimilar properties. This amino acid position is conserved. In addition, this alteration is predicted to be tolerated by in silico analysis. Based on the available evidence, the clinical significance of this variant remains unclear.

Labcorp Genetics (formerly Invitae), Labcorp
Classification: Uncertain significance for Baller-Gerold syndrome. Last evaluated: 2023-10-04. Review status: criteria provided, single submitter. Criteria: Invitae Variant Classification Sherloc (09022015). Collection method: clinical testing. Allele origin: germline.
Comment: This sequence change replaces glycine, which is neutral and non-polar, with cysteine, which is neutral and slightly polar, at codon 144 of the RECQL4 protein (p.Gly144Cys). This variant is not present in population databases (gnomAD no frequency). This variant has not been reported in the literature in individuals affected with RECQL4-related conditions. Advanced modeling of protein sequence and biophysical properties (such as structural, functional, and spatial information, amino acid conservation, physicochemical variation, residue mobility, and thermodynamic stability) performed at Invitae indicates that this missense variant is not expected to disrupt RECQL4 protein function. Algorithms developed to predict the effect of sequence changes on RNA splicing suggest that this variant may disrupt the consensus splice site. In summary, the available evidence is currently insufficient to determine the role of this variant in disease. Therefore, it has been classified as a Variant of Uncertain Significance.